The following is an entry in ClinVar:

ClinVar aggregate classification (germline): Uncertain significance. Review status: criteria provided, multiple submitters, no conflicts (2 of 4 stars). 2 submissions from 2 submitters: Uncertain significance (2). Last evaluated 2026-06-11.

Conditions:
Hereditary cancer-predisposing syndrome. Also called: Neoplastic Syndromes, Hereditary; Hereditary Cancer Syndrome; Tumor predisposition; Hereditary neoplastic syndrome. Identifiers: Orphanet 140162, MedGen C0027672, MeSH D009386, MONDO:0015356.
Cardiovascular phenotype. Identifiers: MedGen CN230736.
Neurofibromatosis, type 1 (NF1). Also called: NEUROFIBROMATOSIS, TYPE I, SOMATIC; Neurofibromatosis, type I; VON RECKLINGHAUSEN DISEASE; Peripheral type neurofibromatosis. Identifiers: Orphanet 636, MedGen C0027831, MONDO:0018975, OMIM 162200. Disease mechanism: loss of function.

Submissions (2):

Ambry Genetics
Classification: Uncertain significance for Cardiovascular phenotype; Hereditary cancer-predisposing syndrome. Last evaluated: 2026-06-11. Review status: criteria provided, single submitter. Criteria: Ambry Variant Classification Scheme 2023. Collection method: clinical testing. Allele origin: germline.
Comment: The p.C709Y variant (also known as c.2126G>A), located in coding exon 18 of the NF1 gene, results from a G to A substitution at nucleotide position 2126. The cysteine at codon 709 is replaced by tyrosine, an amino acid with highly dissimilar properties. Other variant(s) at the same codon, p.C709R (c.2125T>C), have been identified in individual(s) with features consistent with neurofibromatosis type 1 and segregated with disease in at least one family (Xu M et al. Front Genet. 2018 Jul;9:270; Frayling IM et al. J. Med. Genet. 2019 Apr;56:209-219; Chen L et al. Mol Genet Genomic Med. 2019 Jul;:e904; Kang E et al. J Hum Genet. 2020 Jan;65:79-89; Tang J et al. Genes (Basel) 2022 Nov;13; Ambry internal data). This amino acid position is highly conserved in available vertebrate species. In addition, this alteration is predicted to be deleterious by in silico analysis. Based on the available evidence, the clinical significance of this variant remains unclear.

Labcorp Genetics (formerly Invitae), Labcorp
Classification: Uncertain significance for Neurofibromatosis, type 1. Last evaluated: 2022-10-19. Review status: criteria provided, single submitter. Criteria: Invitae Variant Classification Sherloc (09022015). Collection method: clinical testing. Allele origin: germline.
Comment: Advanced modeling of protein sequence and biophysical properties (such as structural, functional, and spatial information, amino acid conservation, physicochemical variation, residue mobility, and thermodynamic stability) performed at Invitae indicates that this missense variant is expected to disrupt NF1 protein function. ClinVar contains an entry for this variant (Variation ID: 220491). This variant has not been reported in the literature in individuals affected with NF1-related conditions. This variant is not present in population databases (gnomAD no frequency). This sequence change replaces cysteine, which is neutral and slightly polar, with tyrosine, which is neutral and polar, at codon 709 of the NF1 protein (p.Cys709Tyr). This variant disrupts the p.Cys709 amino acid residue in NF1. Other variant(s) that disrupt this residue have been determined to be pathogenic (PMID: 28955729, 30530636; Invitae). This suggests that this residue is clinically significant, and that variants that disrupt this residue are likely to be disease-causing. In summary, the available evidence is currently insufficient to determine the role of this variant in disease. Therefore, it has been classified as a Variant of Uncertain Significance.

Literature cited by the submitters: PubMed 28955729 (cited by Labcorp Genetics (formerly Invitae), Labcorp); PubMed 30530636 (cited by Labcorp Genetics (formerly Invitae), Labcorp).

NM_001042492.3(NF1):c.2126G>A (p.Cys709Tyr)

Gene: NF1 (neurofibromin 1; plus strand). Cytogenetic location: 17q11.2.
Variant type: single nucleotide variant.
Coding change: c.2126G>A on transcript NM_001042492.3 (MANE Select); coding-DNA position 2126, G replaced by A.
Protein change: p.Cys709Tyr; replaces cysteine 709 with tyrosine.
Molecular consequence: missense variant.
Genome position (GRCh38, 1-based): chr17:31,226,559, G>A. VCF-style: chr17-31226559-G-A. GRCh37 (hg19) VCF-style: chr17-29553577-G-A.
Other names: c.2126G>A, p.Cys709Tyr (NM_000267.4); short protein forms C709Y.
Identifiers: ClinVar variation 220491 (VCV000220491.4), dbSNP rs864622547, ClinGen allele CA350303.